The following is an entry in ClinVar:

ClinVar aggregate classification (germline): Likely benign. Review status: criteria provided, multiple submitters, no conflicts (2 of 4 stars). 5 submissions from 5 submitters: Likely benign (3). 2 of the submissions do not count toward it. Last evaluated 2025-12-29.

Conditions:
FAT1-related disorder. Also called: FAT1-related condition.

Allele frequency attached by ClinVar (database versions not stated): 1000 Genomes Project 0.00280; 1000 Genomes Project 30x 0.00312; ExAC 0.00323; gnomAD exomes 0.00353 and 0.00631; gnomAD 0.00389 and 0.00396; TOPMed 0.00394; ESP Exome Variant Server 0.00500.

Submissions (5):

Labcorp Genetics (formerly Invitae), Labcorp
Classification: Likely benign. Last evaluated: 2025-12-29. Review status: criteria provided, single submitter. Criteria: Invitae Variant Classification Sherloc (09022015). Collection method: clinical testing. Allele origin: germline.

CeGaT Center for Human Genetics Tuebingen
Classification: Likely benign. Last evaluated: 2023-07-01. Review status: criteria provided, single submitter. Criteria: CeGaT Center For Human Genetics Tuebingen Variant Classification Criteria Version 2. Collection method: clinical testing. Allele origin: germline. Affected: yes. Observed: 6 variant alleles.
Comment: FAT1: BS2

Breakthrough Genomics
Classification: Likely benign. Review status: criteria provided, single submitter. Criteria: ACMG Guidelines, 2015. Collection method: not provided. Allele origin: germline. Inheritance: Unknown mechanism. Affected: yes.

PreventionGenetics, part of Exact Sciences
Classification: Likely benign for FAT1-related condition. Last evaluated: 2019-07-02. Review status: no assertion criteria provided. Collection method: clinical testing. Allele origin: germline. Not counted in ClinVar's aggregate classification.
Comment: This variant is classified as likely benign based on ACMG/AMP sequence variant interpretation guidelines (Richards et al. 2015 PMID: 25741868, with internal and published modifications).

Department of Pathology and Laboratory Medicine, Sinai Health System
Classification: Likely benign. Review status: no assertion criteria provided. Collection method: clinical testing. Allele origin: unknown. Affected: yes. Study: The Canadian Open Genetics Repository (COGR). Not counted in ClinVar's aggregate classification.
Comment: The FAT1 p.Met1149Thr variant was not identified in the literature nor was it identified in ClinVar, Cosmic or LOVD 3.0. The variant was identified in dbSNP (ID: rs77280820) and in control databases in 976 of 280630 chromosomes (5 homozygous) at a frequency of 0.003478 increasing the likelihood this could be a low frequency benign variant (Genome Aggregation Database Feb 27, 2017). The variant was observed in the following populations: European (non-Finnish) in 728 of 128410 chromosomes (freq: 0.005669), Ashkenazi Jewish in 53 of 10350 chromosomes (freq: 0.005121), South Asian in 85 of 30600 chromosomes (freq: 0.002778), Other in 18 of 7140 chromosomes (freq: 0.002521), Latino in 53 of 35376 chromosomes (freq: 0.001498), African in 29 of 24198 chromosomes (freq: 0.001198) and European (Finnish) in 10 of 25020 chromosomes (freq: 0.0004), while the variant was not observed in the East Asian population. The variant occurs outside of the splicing consensus sequence and 3 of 4 in silico or computational prediction software programs (SpliceSiteFinder, MaxEntScan, GeneSplicer) do not predict a greater than 10% difference in splicing. The p.Met1149 residue is not conserved in mammals however 4 of 5 computational analyses (SIFT, AlignGVGD, BLOSUM, MutationTaster) suggest that the variant may impact the protein. In summary, based on the above information the clinical significance of this variant cannot be determined with certainty at this time although we would lean towards a more benign role for this variant. This variant is classified as likely benign.

NM_005245.4(FAT1):c.3446T>C (p.Met1149Thr)

Gene: FAT1 (FAT atypical cadherin 1; minus strand). Cytogenetic location: 4q35.2.
Variant type: single nucleotide variant.
Coding change: c.3446T>C on transcript NM_005245.4 (MANE Select); coding-DNA position 3446, T replaced by C.
Protein change: p.Met1149Thr; replaces methionine 1149 with threonine.
Molecular consequence: missense variant.
Genome position (GRCh38, 1-based): chr4:186,663,433, A>G on the plus strand (T>C on the coding strand, the complement: FAT1 is on the minus strand). VCF-style: chr4-186663433-A-G. GRCh37 (hg19) VCF-style: chr4-187584587-A-G.
Other names: short protein forms M1149T.
Identifiers: ClinVar variation 781994 (VCV000781994.48), dbSNP rs77280820, ClinGen allele CA3167017.